The following is an entry in ClinVar:

NM_000091.5(COL4A3):c.1687G>A (p.Gly563Arg)

Genes: COL4A3 (collagen type IV alpha 3 chain; plus strand), MFF-DT (MFF divergent transcript; minus strand). Cytogenetic location: 2q36.3.
Variant type: single nucleotide variant.
Coding change: c.1687G>A on transcript NM_000091.5 (MANE Select); coding-DNA position 1687, G replaced by A.
Protein change: p.Gly563Arg; replaces glycine 563 with arginine.
Molecular consequence: missense variant.
Genome position (GRCh38, 1-based): chr2:227,270,881, G>A. VCF-style: chr2-227270881-G-A. GRCh37 (hg19) VCF-style: chr2-228135597-G-A.
Other names: p.(Gly563Arg); short protein forms G563R.
Identifiers: ClinVar variation 558131 (VCV000558131.13), dbSNP rs1553757060, ClinGen allele CA350871825.

ClinVar aggregate classification (germline): Pathogenic/Likely pathogenic. Review status: criteria provided, multiple submitters, no conflicts (2 of 4 stars). 4 submissions from 4 submitters: Pathogenic (1); Likely pathogenic (2). 1 of the submissions does not count toward it. Last evaluated 2026-02-20.

Conditions:
Alport syndrome. Also called: Hemorrhagic familial nephritis; Hemorrhagic hereditary nephritis; Congenital hereditary hematuria. Identifiers: Orphanet 63, MedGen C1567741, MONDO:0018965.
Autosomal dominant Alport syndrome (ATS3A). Also called: ALPORT SYNDROME 3A, AUTOSOMAL DOMINANT; Alport syndrome dominant type; Renal failure and sensorineural hearing loss. Identifiers: Orphanet 63, Orphanet 88918, MedGen C5882663, MONDO:0007086, OMIM 104200.
Autosomal recessive Alport syndrome (ATS2). Also called: ALPORT SYNDROME 2, AUTOSOMAL RECESSIVE; COL4A4 Alport Syndrome and Thin Basement Membrane Nephropathy; COL4A3-Related Nephropathy; Alport syndrome type 2. Identifiers: Orphanet 63, Orphanet 88919, MedGen C4746745, MONDO:0008762, OMIM 203780.

gnomAD v4.1: 2 of 1,614,168 alleles (0.00012%); highest among the groups gnomAD compares: Non-Finnish European, 0.00017%; no homozygotes.

Submissions (4):

Centre de Génétique Humaine, Institut de Pathologie Et de Génétique
Classification: Likely pathogenic for Autosomal dominant Alport syndrome. Last evaluated: 2026-02-20. Review status: criteria provided, single submitter. Criteria: ACMG Guidelines, 2015. Collection method: clinical testing. Allele origin: germline. Inheritance: Autosomal dominant inheritance. Affected: yes. Observed: 1 variant allele, 1 heterozygote. Segregation with disease not observed.
Comment: This missense variant involves a highly conserved glycine located in a ‘Gly-X-Y’ motif in collagenous region, which is characteristic of the pathogenic variants identified in the COL4A3 gene (PM1,PP2). This variant is rare: allelic frequency of 0.00012% in gnomAD v4.1.0 database (PM2); In silico analysis supports that this missense variant has a deleterious effect (PP3). Detected as heterozygous without second variant inpatient with Alport S (PMID: 26809805) (PP5)

Natera, Inc.
Classification: Likely pathogenic for Alport syndrome. Last evaluated: 2025-08-25. Review status: criteria provided, single submitter. Criteria: Natera Variant Classification Schema (03/2026). Collection method: clinical testing. Allele origin: germline.
Comment: The c.1687G>A variant in COL4A3 is a missense variant predicted to cause substitution of glycine to arginine at amino acid 563. This variant is rare in the general population with a frequency below the threshold expected for the associated phenotype(s). This variant is located in a functionally critical region of the protein. Computational prediction algorithms indicate this variant is likely to affect gene or protein function. Given the available evidence, this variant is classified as Likely Pathogenic.

Labcorp Genetics (formerly Invitae), Labcorp
Classification: Pathogenic. Last evaluated: 2020-07-21. Review status: criteria provided, single submitter. Criteria: Invitae Variant Classification Sherloc (09022015). Collection method: clinical testing. Allele origin: germline.
Comment: For these reasons, this variant has been classified as Pathogenic. Advanced modeling of protein sequence and biophysical properties (such as structural, functional, and spatial information, amino acid conservation, physicochemical variation, residue mobility, and thermodynamic stability) performed at Invitae indicates that this missense variant is expected to disrupt COL4A3 protein function. This variant has been observed in individual(s) with Alport syndrome (PMID: 26809805). In at least one individual the variant was observed to be de novo. ClinVar contains an entry for this variant (Variation ID: 558131). This variant is not present in population databases (ExAC no frequency). This sequence change replaces glycine with arginine at codon 563 of the COL4A3 protein (p.Gly563Arg). The glycine residue is highly conserved and there is a moderate physicochemical difference between glycine and arginine.

Counsyl
Classification: Uncertain significance for Autosomal recessive Alport syndrome. Last evaluated: 2018-05-01. Review status: no assertion criteria provided. Collection method: clinical testing. Allele origin: unknown. Not counted in ClinVar's aggregate classification.

Literature cited by the submitters: PubMed 26809805 (cited by 3 submitters).